The following is an entry in ClinVar:

ClinVar aggregate classification (germline): Conflicting classifications of pathogenicity. Review status: criteria provided, conflicting classifications (1 of 4 stars). 2 submissions from 2 submitters: Uncertain significance (1); Benign (1). Last evaluated 2022-09-01.

Conditions:
Polycystic kidney disease 2 (PKD2). Also called: Polycystic Kidney Disease 2, Autosomal Dominant; POLYCYSTIC KIDNEY DISEASE 2 WITH OR WITHOUT POLYCYSTIC LIVER DISEASE; POLYCYSTIC KIDNEY DISEASE, ADULT, TYPE II. Identifiers: MedGen C2751306, MONDO:0013131, OMIM 613095.

Allele frequency attached by ClinVar (database versions not stated): 1000 Genomes Project 30x 0.00109; 1000 Genomes Project 0.00120; gnomAD 0.00232 and 0.00235; TOPMed 0.00279.

Submissions (2):

CeGaT Center for Human Genetics Tuebingen
Classification: Benign. Last evaluated: 2022-09-01. Review status: criteria provided, single submitter. Criteria: CeGaT Center For Human Genetics Tuebingen Variant Classification Criteria Version 2. Collection method: clinical testing. Allele origin: germline. Affected: yes. Observed: 3 variant alleles.
Comment: PKD2: BS1, BS2

Illumina Laboratory Services, Illumina
Classification: Uncertain significance for Polycystic kidney disease 2. Last evaluated: 2018-01-13. Review status: criteria provided, single submitter. Criteria: ICSL Variant Classification Criteria 13 December 2019. Collection method: clinical testing. Allele origin: germline.

NM_000297.4(PKD2):c.*1113G>A

Gene: PKD2 (polycystin 2, transient receptor potential cation channel; plus strand). Cytogenetic location: 4q22.1.
Variant type: single nucleotide variant.
Coding change: c.*1113G>A on transcript NM_000297.4 (MANE Select); 1113 bases downstream of the stop codon, G replaced by A.
Molecular consequence: 3 prime UTR variant. On other transcripts: non-coding transcript variant (1).
Genome position (GRCh38, 1-based): chr4:88,076,807, G>A. VCF-style: chr4-88076807-G-A. GRCh37 (hg19) VCF-style: chr4-88997959-G-A.
Identifiers: ClinVar variation 906421 (VCV000906421.28), dbSNP rs541524392, ClinGen allele CA100895681.